The following is an entry in ClinVar:

NM_000059.4(BRCA2):c.5584G>T (p.Val1862Leu)

Gene: BRCA2 (BRCA2 DNA repair associated; plus strand). Cytogenetic location: 13q13.1.
Variant type: single nucleotide variant.
Coding change: c.5584G>T on transcript NM_000059.4 (MANE Select); coding-DNA position 5584, G replaced by T.
Protein change: p.Val1862Leu; replaces valine 1862 with leucine.
Molecular consequence: missense variant. On other transcripts: non-coding transcript variant (1), intron variant (2).
Genome position (GRCh38, 1-based): chr13:32,339,939, G>T. VCF-style: chr13-32339939-G-T. GRCh37 (hg19) VCF-style: chr13-32914076-G-T.
Other names: c.5584G>T, p.Val1862Leu (NM_001406719.1, NM_001406720.1, NM_001432077.1); c.1910-4619G>T (NM_001406721.1); c.425-4619G>T (NM_001406722.1); short protein forms V1862L.
Identifiers: ClinVar variation 4802315 (VCV004802315.1).

ClinVar aggregate classification (germline): Uncertain significance (1 of 4 stars; one submission).

Conditions:
Hereditary breast ovarian cancer syndrome. Also called: Hereditary breast and ovarian cancer syndrome (HBOC); Hereditary breast and ovarian cancer; Breast and ovarian cancer; Hereditary breast and/or ovarian cancer syndrome; BRCA1- and BRCA2-Associated Hereditary Breast and Ovarian Cancer; Hereditary breast and ovarian cancer syndrome. Identifiers: Orphanet 145, MedGen C0677776, MeSH D061325, MONDO:0003582. Disease mechanism: loss of function.

Submission:

Labcorp Genetics (formerly Invitae), Labcorp
Classification: Uncertain significance for Hereditary breast ovarian cancer syndrome. Last evaluated: 2025-03-16. Review status: criteria provided, single submitter. Criteria: Invitae Variant Classification Sherloc (09022015). Collection method: clinical testing. Allele origin: germline.
Comment: This sequence change replaces valine, which is neutral and non-polar, with leucine, which is neutral and non-polar, at codon 1862 of the BRCA2 protein (p.Val1862Leu). This variant is not present in population databases (gnomAD no frequency). This variant has not been reported in the literature in individuals affected with BRCA2-related conditions. Invitae Evidence Modeling of protein sequence and biophysical properties (such as structural, functional, and spatial information, amino acid conservation, physicochemical variation, residue mobility, and thermodynamic stability) indicates that this missense variant is not expected to disrupt BRCA2 protein function with a negative predictive value of 95%. In summary, the available evidence is currently insufficient to determine the role of this variant in disease. Therefore, it has been classified as a Variant of Uncertain Significance.